The following is an entry in ClinVar:

ClinVar aggregate classification (germline): Uncertain significance (1 of 4 stars; one submission).

Conditions:
Developmental and epileptic encephalopathy, 9 (DEE9). Also called: Early infantile epileptic encephalopathy 9; EPILEPSY, FEMALE-RESTRICTED, WITH MENTAL RETARDATION; PCDH19-Related X-Linked Female-Limited Epilepsy with Mental Retardation; JUBERG-HELLMAN SYNDROME. Identifiers: Orphanet 101039, Orphanet 2076, MedGen C1848137, MONDO:0010246, OMIM 300088. Disease mechanism: loss of function.

Allele frequency attached by ClinVar (database versions not stated): gnomAD exomes below 0.00001.
gnomAD v4.1: 2 of 1,211,417 alleles (0.00017%); highest among the groups gnomAD compares: Non-Finnish European, 0.00022%; no homozygotes.

Submission:

Labcorp Genetics (formerly Invitae), Labcorp
Classification: Uncertain significance for Developmental and epileptic encephalopathy, 9. Last evaluated: 2023-12-13. Review status: criteria provided, single submitter. Criteria: Invitae Variant Classification Sherloc (09022015). Collection method: clinical testing. Allele origin: germline.
Comment: This sequence change replaces methionine, which is neutral and non-polar, with valine, which is neutral and non-polar, at codon 977 of the PCDH19 protein (p.Met977Val). This variant is not present in population databases (gnomAD no frequency). This variant has not been reported in the literature in individuals affected with PCDH19-related conditions. ClinVar contains an entry for this variant (Variation ID: 1402392). Advanced modeling of protein sequence and biophysical properties (such as structural, functional, and spatial information, amino acid conservation, physicochemical variation, residue mobility, and thermodynamic stability) performed at Invitae indicates that this missense variant is not expected to disrupt PCDH19 protein function with a negative predictive value of 95%. In summary, the available evidence is currently insufficient to determine the role of this variant in disease. Therefore, it has been classified as a Variant of Uncertain Significance.

NM_001184880.2(PCDH19):c.2929A>G (p.Met977Val)

Gene: PCDH19 (protocadherin 19; minus strand). Cytogenetic location: Xq22.1.
Variant type: single nucleotide variant.
Coding change: c.2929A>G on transcript NM_001184880.2 (MANE Select); coding-DNA position 2929, A replaced by G.
Protein change: p.Met977Val; replaces methionine 977 with valine.
Molecular consequence: missense variant.
Genome position (GRCh38, 1-based): chrX:100,296,795, T>C on the plus strand (A>G on the coding strand, the complement: PCDH19 is on the minus strand). VCF-style: chrX-100296795-T-C. GRCh37 (hg19) VCF-style: chrX-99551793-T-C.
Other names: c.2788A>G, p.Met930Val (NM_001105243.2); c.2785A>G, p.Met929Val (NM_020766.3); short protein forms M929V, M930V, M977V.
Identifiers: ClinVar variation 1402392 (VCV001402392.8), dbSNP rs2147446474, ClinGen allele CA414000819.